The following is an entry in ClinVar:

ClinVar aggregate classification (germline): Uncertain significance. Review status: criteria provided, multiple submitters, no conflicts (2 of 4 stars). 2 submissions from 2 submitters: Uncertain significance (2). Last evaluated 2023-08-15.

Conditions:
Catecholaminergic polymorphic ventricular tachycardia (CVPT). Also called: Catecholamine-induced polymorphic ventricular tachycardia. Identifiers: Orphanet 3286, MedGen C5574922, MONDO:0017990.
Cardiovascular phenotype. Identifiers: MedGen CN230736.

Submissions (2):

All of Us Research Program, National Institutes of Health
Classification: Uncertain significance for Catecholaminergic polymorphic ventricular tachycardia. Last evaluated: 2023-08-15. Review status: criteria provided, single submitter. Criteria: ACMG Guidelines, 2015. Collection method: clinical testing. Allele origin: germline. Inheritance: Autosomal dominant inheritance. Observed: 1 variant allele, 1 heterozygote.
Comment: This variant cause a deletion of glutamate at codon 4348 of the RYR2 protein. To our knowledge, functional studies have not been reported for this variant. This variant has not been reported in individuals affected with RYR2-related disorders in the literature. This variant has not been identified in the general population by the Genome Aggregation Database (gnomAD). The available evidence is insufficient to determine the role of this variant in disease conclusively. Therefore, this variant is classified as a Variant of Uncertain Significance.

This study involves interpretation of variants in research participants for the purpose of population health screening. Participant phenotype was not available at the time of variant classification. Additional details can be found in publication PMID: 35346344, PMCID: PMC8962531

Ambry Genetics
Classification: Uncertain significance for Cardiovascular phenotype. Last evaluated: 2018-06-20. Review status: criteria provided, single submitter. Criteria: Ambry Variant Classification Scheme 2023. Collection method: clinical testing. Allele origin: germline.
Comment: The c.13043_13045delAGG variant (also known as p.E4348del) is located in coding exon 90 of the RYR2 gene. This variant results from an in-frame AGG deletion at nucleotide positions 13043 to 13045. This results in the in-frame deletion of a glutamic acid at codon 4348. This amino acid position is not well conserved in available vertebrate species. Since supporting evidence is limited at this time, the clinical significance of this alteration remains unclear.

NM_001035.3(RYR2):c.13040AGG[1] (p.Glu4348del)

Genes: RYR2 (ryanodine receptor 2; plus strand), LOC126806068 (BRD4-independent group 4 enhancer GRCh37_chr1:237947411-237948610; plus strand). Cytogenetic location: 1q43.
Variant type: Microsatellite.
Coding change: c.13040AGG[1] on transcript NM_001035.3 (MANE Select); one copy of the 3-base unit AGG starting at c.13040; the reference has two copies in a row; one copy, 3 bases deleted.
Protein change: p.Glu4348del; deletes glutamic acid 4348.
Molecular consequence: inframe deletion.
Genome position (GRCh38, 1-based): chr1:237,784,755-237,784,757, AGG deleted; deleting any 3 consecutive bases within chr1:237,784,750-237,784,757 gives the same sequence; the position shown is the placement nearest the transcript's 3' end. VCF-style (leftmost placement, unchanged base first): chr1-237784749-GGGA-G. GRCh37 (hg19) VCF-style: chr1-237948049-GGGA-G.
Other names: short protein forms E4348del.
Identifiers: ClinVar variation 1769470 (VCV001769470.3), dbSNP rs2527797829, ClinGen allele CA2580611253.